The following is an entry in ClinVar:

ClinVar aggregate classification (germline): Likely benign. Review status: criteria provided, multiple submitters, no conflicts (2 of 4 stars). 2 submissions from 2 submitters: Likely benign (2). Last evaluated 2025-11-10.

Conditions:
POLD1-related polyposis and colorectal cancer syndrome (CRCS10). Also called: Colorectal cancer, susceptibility to, 10; Colorectal cancer 10; COLORECTAL CANCER, SUSCEPTIBILITY TO, ON CHROMOSOME 19q. Identifiers: Orphanet 220460, MedGen C2675481, MONDO:0012953, OMIM 612591.

Allele frequency attached by ClinVar (database versions not stated): gnomAD 0.00001; gnomAD exomes 0.00001; TOPMed 0.00002.
gnomAD v4.1: 6 of 1,581,840 alleles (0.00038%); highest among the groups gnomAD compares: African/African-American, 0.0013%; no homozygotes.

Submissions (2):

Labcorp Genetics (formerly Invitae), Labcorp
Classification: Likely benign for POLD1-related polyposis and colorectal cancer syndrome. Last evaluated: 2025-11-10. Review status: criteria provided, single submitter. Criteria: Invitae Variant Classification Sherloc (09022015). Collection method: clinical testing. Allele origin: germline.

GeneDx
Classification: Likely benign. Last evaluated: 2016-11-21. Review status: criteria provided, single submitter. Criteria: GeneDx Variant Classification (06012015). Collection method: clinical testing. Allele origin: germline. Affected: yes.
Comment: This variant is considered likely benign or benign based on one or more of the following criteria: it is a conservative change, it occurs at a poorly conserved position in the protein, it is predicted to be benign by multiple in silico algorithms, and/or has population frequency not consistent with disease.

NM_002691.4(POLD1):c.316+13G>C

Gene: POLD1 (DNA polymerase delta 1, catalytic subunit; plus strand). Cytogenetic location: 19q13.33.
Variant type: single nucleotide variant.
Coding change: c.316+13G>C on transcript NM_002691.4 (MANE Select); 13 bases into the intron after coding-DNA position 316, G replaced by C.
Molecular consequence: intron variant.
Genome position (GRCh38, 1-based): chr19:50,399,497, G>C. VCF-style: chr19-50399497-G-C. GRCh37 (hg19) VCF-style: chr19-50902754-G-C.
Other names: c.316+13G>C (LRG_785t2, LRG_785t1, NM_001256849.1 and 1 more transcripts).
Identifiers: ClinVar variation 391126 (VCV000391126.8), dbSNP rs1013554447, ClinGen allele CA16608321.